The following is an entry in ClinVar:

ClinVar aggregate classification (germline): Uncertain significance (1 of 4 stars; one submission).

Submission:

GeneDx
Classification: Uncertain significance. Last evaluated: 2024-07-03. Review status: criteria provided, single submitter. Criteria: GeneDx Variant Classification Process June 2021. Collection method: clinical testing. Allele origin: germline. Affected: yes.
Comment: Not observed at significant frequency in large population cohorts (gnomAD); In silico analysis supports that this missense variant has a deleterious effect on protein structure/function; Has not been previously published as pathogenic or benign to our knowledge

NM_014516.4(CNOT3):c.2128G>C (p.Glu710Gln)

Gene: CNOT3 (CCR4-NOT transcription complex subunit 3; plus strand). Cytogenetic location: 19q13.42.
Variant type: single nucleotide variant.
Coding change: c.2128G>C on transcript NM_014516.4 (MANE Select); coding-DNA position 2128, G replaced by C.
Protein change: p.Glu710Gln; replaces glutamic acid 710 with glutamine.
Molecular consequence: missense variant.
Genome position (GRCh38, 1-based): chr19:54,153,805, G>C. VCF-style: chr19-54153805-G-C. GRCh37 (hg19) VCF-style: chr19-54657542-G-C.
Other names: short protein forms E710Q.
Identifiers: ClinVar variation 3393810 (VCV003393810.1).